The following is an entry in ClinVar:

ClinVar aggregate classification (germline): Uncertain significance (1 of 4 stars; one submission).

Conditions:
Multiple endocrine neoplasia, type 2 (MEN2). Identifiers: Orphanet 653, MedGen C4048306, MONDO:0019003. Disease mechanism: gain of function.

Allele frequency attached by ClinVar (database versions not stated): gnomAD exomes below 0.00001.
gnomAD v4.1: 1 of 1,613,838 alleles (0.000062%); highest among the groups gnomAD compares: East Asian, 0.0022%; no homozygotes.

Submission:

Labcorp Genetics (formerly Invitae), Labcorp
Classification: Uncertain significance for Multiple endocrine neoplasia, type 2. Last evaluated: 2024-01-21. Review status: criteria provided, single submitter. Criteria: Invitae Variant Classification Sherloc (09022015). Collection method: clinical testing. Allele origin: germline.
Comment: This sequence change replaces alanine, which is neutral and non-polar, with threonine, which is neutral and polar, at codon 793 of the RET protein (p.Ala793Thr). This variant is not present in population databases (gnomAD no frequency). This variant has not been reported in the literature in individuals affected with RET-related conditions. An algorithm developed to predict the effect of missense changes on protein structure and function (PolyPhen-2) suggests that this variant is likely to be disruptive. In summary, the available evidence is currently insufficient to determine the role of this variant in disease. Therefore, it has been classified as a Variant of Uncertain Significance.

NM_020975.6(RET):c.2377G>A (p.Ala793Thr)

Gene: RET (ret proto-oncogene; plus strand). Cytogenetic location: 10q11.21.
Variant type: single nucleotide variant.
Coding change: c.2377G>A on transcript NM_020975.6 (MANE Select); coding-DNA position 2377, G replaced by A.
Protein change: p.Ala793Thr; replaces alanine 793 with threonine.
Molecular consequence: missense variant.
Genome position (GRCh38, 1-based): chr10:43,118,465, G>A. VCF-style: chr10-43118465-G-A. GRCh37 (hg19) VCF-style: chr10-43613913-G-A.
Other names: c.2377G>A, p.Ala793Thr (NM_001406760.1, NM_000323.2, NM_001406743.1 and 4 more transcripts); c.2248G>A, p.Ala750Thr (NM_001406761.1, NM_001406762.1, NM_001406764.1); c.2242G>A, p.Ala748Thr (NM_001406763.1, NM_001406765.1); c.2089G>A, p.Ala697Thr (NM_001406766.1, NM_001406767.1, NM_001406770.1); c.2113G>A, p.Ala705Thr (NM_001406768.1); c.1615G>A, p.Ala539Thr (NM_001355216.2); c.1480G>A, p.Ala494Thr (NM_001406779.1, NM_001406780.1, NM_001406781.1 and 1 more transcripts); c.1351G>A, p.Ala451Thr (NM_001406783.1, NM_001406786.1); and 10 more; short protein forms A310T, A358T, A454T, A463T, A494T, A539T, A647T, A697T.
Identifiers: ClinVar variation 2710597 (VCV002710597.3), dbSNP rs2132931656, ClinGen allele CA376555889.